The following is an entry in ClinVar:

ClinVar aggregate classification (germline): Benign/Likely benign. Review status: criteria provided, multiple submitters, no conflicts (2 of 4 stars). 3 submissions from 3 submitters: Benign (1); Likely benign (2). Last evaluated 2026-04-29.

Conditions:
Colorectal cancer, hereditary nonpolyposis, type 7. Identifiers: Orphanet 144, MedGen C1858380, MONDO:0013725, OMIM 614385.

Allele frequency attached by ClinVar (database versions not stated): gnomAD exomes 0.00001 and 0.00002; ESP Exome Variant Server 0.00008; ExAC 0.00001; TOPMed 0.00012; gnomAD 0.00009 and 0.00010.

Submissions (3):

Myriad Genetics, Inc.
Classification: Benign for Colorectal cancer, hereditary nonpolyposis, type 7. Last evaluated: 2026-04-29. Review status: criteria provided, single submitter. Criteria: Myriad Autosomal Dominant, Autosomal Recessive and X-Linked Classification Criteria (2023). Collection method: clinical testing. Allele origin: unknown.
Comment: This variant is considered benign. This variant is a silent/synonymous amino acid change and it is not expected to impact splicing.

Labcorp Genetics (formerly Invitae), Labcorp
Classification: Likely benign for Colorectal cancer, hereditary nonpolyposis, type 7. Last evaluated: 2023-07-06. Review status: criteria provided, single submitter. Criteria: Invitae Variant Classification Sherloc (09022015). Collection method: clinical testing. Allele origin: germline.

Ambry Genetics
Classification: Likely benign. Last evaluated: 2022-03-02. Review status: criteria provided, single submitter. Criteria: Ambry Variant Classification Scheme 2023. Collection method: clinical testing. Allele origin: germline.

NM_001040108.2(MLH3):c.729A>G (p.Ala243=)

Gene: MLH3 (mutL homolog 3; minus strand). Cytogenetic location: 14q24.3.
Variant type: single nucleotide variant.
Coding change: c.729A>G on transcript NM_001040108.2 (MANE Select); coding-DNA position 729, A replaced by G.
Protein change: p.Ala243=; no amino-acid change (alanine 243 retained).
Molecular consequence: synonymous variant.
Genome position (GRCh38, 1-based): chr14:75,048,927, T>C on the plus strand (A>G on the coding strand, the complement: MLH3 is on the minus strand). VCF-style: chr14-75048927-T-C. GRCh37 (hg19) VCF-style: chr14-75515630-T-C.
Other names: c.729A>G, p.Ala243= (NM_014381.3).
Identifiers: ClinVar variation 1128139 (VCV001128139.12), dbSNP rs367629280, ClinGen allele CA7275975.